The following is an entry in ClinVar:

NM_205836.3(FBXO38):c.13A>C (p.Lys5Gln)

Gene: FBXO38 (F-box protein 38; plus strand). Cytogenetic location: 5q32.
Variant type: single nucleotide variant.
Coding change: c.13A>C on transcript NM_205836.3 (MANE Select); coding-DNA position 13, A replaced by C.
Protein change: p.Lys5Gln; replaces lysine 5 with glutamine.
Molecular consequence: missense variant.
Genome position (GRCh38, 1-based): chr5:148,394,789, A>C. VCF-style: chr5-148394789-A-C. GRCh37 (hg19) VCF-style: chr5-147774352-A-C.
Other names: c.13A>C, p.Lys5Gln (NM_001271723.2, NM_030793.5); short protein forms K5Q.
Identifiers: ClinVar variation 1719364 (VCV001719364.5), dbSNP rs2531681793, ClinGen allele CA361653462.

ClinVar aggregate classification (germline): Uncertain significance (1 of 4 stars; one submission).

Conditions:
Distal hereditary motor neuropathy type 2. Identifiers: Orphanet 139525, MedGen C3711384, MeSH C580044, MONDO:0015352.

Allele frequency attached by ClinVar (database versions not stated): gnomAD exomes below 0.00001.
gnomAD v4.1: 1 of 1,577,316 alleles (0.000063%); highest among the groups gnomAD compares: Non-Finnish European, 0.000086%; no homozygotes.

Submission:

Labcorp Genetics (formerly Invitae), Labcorp
Classification: Uncertain significance for Distal hereditary motor neuropathy type 2. Last evaluated: 2022-09-13. Review status: criteria provided, single submitter. Criteria: Invitae Variant Classification Sherloc (09022015). Collection method: clinical testing. Allele origin: germline.
Comment: In summary, the available evidence is currently insufficient to determine the role of this variant in disease. Therefore, it has been classified as a Variant of Uncertain Significance. Advanced modeling of protein sequence and biophysical properties (such as structural, functional, and spatial information, amino acid conservation, physicochemical variation, residue mobility, and thermodynamic stability) performed at Invitae indicates that this missense variant is not expected to disrupt FBXO38 protein function. This variant has not been reported in the literature in individuals affected with FBXO38-related conditions. This variant is not present in population databases (gnomAD no frequency). This sequence change replaces lysine, which is basic and polar, with glutamine, which is neutral and polar, at codon 5 of the FBXO38 protein (p.Lys5Gln).